The following is an entry in ClinVar:

NM_001363711.2(DUOX2):c.1310G>C (p.Gly437Ala)

Gene: DUOX2 (dual oxidase 2; minus strand). Cytogenetic location: 15q21.1.
Variant type: single nucleotide variant.
Coding change: c.1310G>C on transcript NM_001363711.2 (MANE Select); coding-DNA position 1310, G replaced by C.
Protein change: p.Gly437Ala; replaces glycine 437 with alanine.
Molecular consequence: missense variant.
Genome position (GRCh38, 1-based): chr15:45,108,877, C>G on the plus strand (G>C on the coding strand, the complement: DUOX2 is on the minus strand). VCF-style: chr15-45108877-C-G. GRCh37 (hg19) VCF-style: chr15-45401075-C-G.
Other names: c.1310G>C, p.Gly437Ala (NM_014080.5); short protein forms G437A.
Identifiers: ClinVar variation 915462 (VCV000915462.13), dbSNP rs769796932, ClinGen allele CA7538659.
Genomic context (GRCh38, chr15:45,108,877, plus strand): 5'-CTCCAGTTCCTTGGGATGTCCAGCCCAAAGGCCAGCAGGGCCTGGCTATAGCTGGGCAGC[C>G]CCATATCTCGGCCACGTTGGATGCTGCTGGCCACATAGTCTGTACGGGAGAATTTGCCAG-3'
Protein context (NP_001350640.1, residues 427-447): ASSIQRGRDM[Gly437Ala]LPSYSQALLA

ClinVar aggregate classification (germline): Pathogenic/Likely pathogenic. Review status: criteria provided, multiple submitters, no conflicts (2 of 4 stars). 4 submissions from 4 submitters: Pathogenic (1); Likely pathogenic (2). 1 of the submissions does not count toward it. Last evaluated 2025-04-14.

Conditions:
Thyroid dyshormonogenesis 6 (TDH6). Also called: THYROID HORMONOGENESIS, GENETIC DEFECT IN, 6; HYPOTHYROIDISM, CONGENITAL, DUE TO DYSHORMONOGENESIS, 6; Genetic transient congenital hypothyroidism. Identifiers: Orphanet 226316, Orphanet 95716, MedGen C1846632, MONDO:0011792, OMIM 607200.

Allele frequency attached by ClinVar (database versions not stated): gnomAD 0.00001; gnomAD exomes 0.00002 and 0.00012; TOPMed 0.00003; ExAC 0.00015.
gnomAD v4.1: 30 of 1,614,084 alleles (0.0019%); highest among the groups gnomAD compares: East Asian, 0.062%; no homozygotes.

Submissions (4):

Labcorp Genetics (formerly Invitae), Labcorp
Classification: Pathogenic. Last evaluated: 2025-04-14. Review status: criteria provided, single submitter. Criteria: Invitae Variant Classification Sherloc (09022015). Collection method: clinical testing. Allele origin: germline.
Comment: This sequence change replaces glycine, which is neutral and non-polar, with alanine, which is neutral and non-polar, at codon 437 of the DUOX2 protein (p.Gly437Ala). This variant is present in population databases (rs769796932, gnomAD 0.2%). This missense change has been observed in individual(s) with autosomal recessive congenital hypothyroidism and/or congenital hypothyroidism (PMID: 29650690, 32425884, 33310921, 34564849, 34850017, 37390946). In at least one individual the data is consistent with being in trans (on the opposite chromosome) from a pathogenic variant. ClinVar contains an entry for this variant (Variation ID: 915462). Invitae Evidence Modeling of protein sequence and biophysical properties (such as structural, functional, and spatial information, amino acid conservation, physicochemical variation, residue mobility, and thermodynamic stability) indicates that this missense variant is expected to disrupt DUOX2 protein function with a positive predictive value of 80%. Experimental studies have shown that this missense change affects DUOX2 function (PMID: 34564849). For these reasons, this variant has been classified as Pathogenic.

Fulgent Genetics
Classification: Likely pathogenic for Thyroid dyshormonogenesis 6. Last evaluated: 2024-06-18. Review status: criteria provided, single submitter. Criteria: ACMG Guidelines, 2015. Collection method: clinical testing. Allele origin: germline.

Juno Genomics, Hangzhou Juno Genomics, Inc
Classification: Likely pathogenic for Thyroid dyshormonogenesis 6. Review status: criteria provided, single submitter. Criteria: ACMG Guidelines, 2015. Collection method: clinical testing. Allele origin: germline.
Comment: Absent from controls (or at extremely low frequency if recessive) in Genome Aggregation Database.;Multiple lines of computational evidence support a deleterious effect on the gene or gene product.;For recessive disorders, detected in trans with a pathogenic variant.;Patient's phenotype or family history is highly specific for a disease with a single genetic etiology.

Department of Pediatrics, Division of Medical Genetics, Faculty of Medicine Ramathibodi Hospital, Mahidol University
Classification: Likely pathogenic for Thyroid dyshormonogenesis 6. Last evaluated: 2020-05-13. Review status: no assertion criteria provided. Collection method: research. Allele origin: paternal. Inheritance: Autosomal recessive inheritance. Affected: yes. Observed: 1 compound heterozygote. Not counted in ClinVar's aggregate classification.

Literature cited by the submitters: PubMed 29650690 (cited by Labcorp Genetics (formerly Invitae), Labcorp); PubMed 32425884 (cited by Labcorp Genetics (formerly Invitae), Labcorp); PubMed 33310921 (cited by Labcorp Genetics (formerly Invitae), Labcorp); PubMed 34564849 (cited by Labcorp Genetics (formerly Invitae), Labcorp); PubMed 34850017 (cited by Labcorp Genetics (formerly Invitae), Labcorp); PubMed 37390946 (cited by Labcorp Genetics (formerly Invitae), Labcorp).